The following is an entry in ClinVar:

NM_152703.5(SAMD9L):c.2084G>A (p.Trp695Ter)

Gene: SAMD9L (sterile alpha motif domain containing 9 like; minus strand). Cytogenetic location: 7q21.2.
Variant type: single nucleotide variant.
Coding change: c.2084G>A on transcript NM_152703.5 (MANE Select); coding-DNA position 2084, G replaced by A.
Protein change: p.Trp695Ter; replaces tryptophan 695 with a stop codon.
Molecular consequence: nonsense.
Genome position (GRCh38, 1-based): chr7:93,133,888, C>T on the plus strand (G>A on the coding strand, the complement: SAMD9L is on the minus strand). VCF-style: chr7-93133888-C-T. GRCh37 (hg19) VCF-style: chr7-92763201-C-T.
Other names: c.2084G>A, p.Trp695Ter (NM_001303496.3, NM_001303497.3, NM_001303498.3 and 5 more transcripts); short protein forms W695*.
Identifiers: ClinVar variation 2991875 (VCV002991875.4), dbSNP rs750563993, ClinGen allele CA161961960.
Genomic context (GRCh38, chr7:93,133,888, plus strand): 5'-TAACTGTCCCTTTTAACAAAATCTGAAGAATAGTTTTCAGAAGAAAAATAGAAGTTCCAC[C>T]AGGATACTTTGCCACCTCGATAAAAGTGTTCTTCTTTTGATTTCTTAAACTCCAGGAATT-3'

ClinVar aggregate classification (germline): Uncertain significance. Review status: criteria provided, multiple submitters, no conflicts (2 of 4 stars). 2 submissions from 2 submitters: Uncertain significance (2). Last evaluated 2025-01-29.

Allele frequency attached by ClinVar (database versions not stated): TOPMed below 0.00001; gnomAD 0.00001; gnomAD exomes 0.00001.
gnomAD v4.1: 17 of 1,613,606 alleles (0.0011%); highest among the groups gnomAD compares: East Asian, 0.0022%; no homozygotes.

Submissions (2):

Labcorp Genetics (formerly Invitae), Labcorp
Classification: Uncertain significance. Last evaluated: 2025-01-29. Review status: criteria provided, single submitter. Criteria: Invitae Variant Classification Sherloc (09022015). Collection method: clinical testing. Allele origin: germline.
Comment: This sequence change creates a premature translational stop signal (p.Trp695*) in the SAMD9L gene. While this is not anticipated to result in nonsense mediated decay, it is expected to disrupt the last 890 amino acid(s) of the SAMD9L protein. This variant is present in population databases (rs750563993, gnomAD 0.002%). This variant has not been reported in the literature in individuals affected with SAMD9L-related conditions. ClinVar contains an entry for this variant (Variation ID: 2991875). In summary, the available evidence is currently insufficient to determine the role of this variant in disease. Therefore, it has been classified as a Variant of Uncertain Significance.

Blueprint Genetics
Classification: Uncertain significance. Last evaluated: 2022-03-04. Review status: criteria provided, single submitter. Criteria: ACMG Guidelines, 2015. Collection method: clinical testing. Allele origin: germline.